The following is an entry in ClinVar:

NM_001243133.2(NLRP3):c.1976T>G (p.Met659Arg)

Gene: NLRP3 (NLR family pyrin domain containing 3; plus strand). Cytogenetic location: 1q44.
Variant type: single nucleotide variant.
Coding change: c.1976T>G on transcript NM_001243133.2 (MANE Select); coding-DNA position 1976, T replaced by G.
Protein change: p.Met659Arg; replaces methionine 659 with arginine.
Molecular consequence: missense variant.
Genome position (GRCh38, 1-based): chr1:247,425,425, T>G. VCF-style: chr1-247425425-T-G. GRCh37 (hg19) VCF-style: chr1-247588727-T-G.
Other names: c.1976T>G, p.Met659Arg (NM_001079821.3, NM_001127461.3, NM_001127462.3 and 1 more transcripts); c.1982T>G, p.Met661Arg (NM_004895.5); short protein forms M659R, M661R.
Identifiers: ClinVar variation 643124 (VCV000643124.8), dbSNP rs180177457, ClinGen allele CA345558384.

ClinVar aggregate classification (germline): Pathogenic (1 of 4 stars; one submission).

Conditions:
Cryopyrin associated periodic syndrome (CAPS). Identifiers: Orphanet 208650, MedGen C2316212, MONDO:0016168.

Submission:

Labcorp Genetics (formerly Invitae), Labcorp
Classification: Pathogenic for Cryopyrin associated periodic syndrome. Last evaluated: 2025-09-02. Review status: criteria provided, single submitter. Criteria: Invitae Variant Classification Sherloc (09022015). Collection method: clinical testing. Allele origin: germline.
Comment: This sequence change replaces methionine, which is neutral and non-polar, with arginine, which is basic and polar, at codon 661 of the NLRP3 protein (p.Met661Arg). This variant is not present in population databases (gnomAD no frequency). This missense change has been observed in individual(s) with clinical features of cryopyrin-associated periodic syndrome (PMID: 38481988; internal data). In at least one individual the variant was observed to be de novo. ClinVar contains an entry for this variant (Variation ID: 643124). Invitae Evidence Modeling of protein sequence and biophysical properties (such as structural, functional, and spatial information, amino acid conservation, physicochemical variation, residue mobility, and thermodynamic stability) indicates that this missense variant is expected to disrupt NLRP3 protein function with a positive predictive value of 95%. This variant disrupts the p.Met661 amino acid residue in NLRP3. Other variant(s) that disrupt this residue have been observed in individuals with NLRP3-related conditions (PMID: 16081838, 24773462), which suggests that this may be a clinically significant amino acid residue. For these reasons, this variant has been classified as Pathogenic.

Literature cited by the submitters: PubMed 38481988; PubMed 16081838; PubMed 24773462.